The following is an entry in ClinVar:

NM_032634.4(PIGO):c.1184del (p.Gln395fs)

Gene: PIGO (phosphatidylinositol glycan anchor biosynthesis class O; minus strand). Cytogenetic location: 9p13.3.
Variant type: Deletion.
Coding change: c.1184del on transcript NM_032634.4 (MANE Select); coding-DNA position 1184, one base deleted (A; older notation c.1184delA).
Protein change: p.Gln395fs; shifts the reading frame from glutamine 395.
Molecular consequence: frameshift variant.
Genome position (GRCh38, 1-based): chr9:35,092,703, T deleted on the plus strand (A on the coding strand, the reverse complement: PIGO is on the minus strand). VCF-style (leftmost placement, unchanged base first): chr9-35092702-CT-C. GRCh37 (hg19) VCF-style: chr9-35092699-CT-C.
Other names: c.1184del, p.Gln395fs (NM_001201484.2, NM_152850.4); short protein forms Q395fs.
Identifiers: ClinVar variation 2763210 (VCV002763210.3), dbSNP rs2490457505, ClinGen allele CA2697557702.

ClinVar aggregate classification (germline): Pathogenic (1 of 4 stars; one submission).

Conditions:
Hyperphosphatasia with impaired intellectual development syndrome 2. Also called: GLYCOSYLPHOSPHATIDYLINOSITOL BIOSYNTHESIS DEFECT 6; Hyperphosphatasia with intellectual disability syndrome 2. Identifiers: Orphanet 247262, MedGen C3553637, MONDO:0013882, OMIM 614749.

Submission:

Labcorp Genetics (formerly Invitae), Labcorp
Classification: Pathogenic for Hyperphosphatasia with impaired intellectual development syndrome 2. Last evaluated: 2023-10-17. Review status: criteria provided, single submitter. Criteria: Invitae Variant Classification Sherloc (09022015). Collection method: clinical testing. Allele origin: germline.
Comment: This sequence change creates a premature translational stop signal (p.Gln395Argfs*30) in the PIGO gene. It is expected to result in an absent or disrupted protein product. Loss-of-function variants in PIGO are known to be pathogenic (PMID: 22683086, 24417746). This variant is not present in population databases (gnomAD no frequency). This variant has not been reported in the literature in individuals affected with PIGO-related conditions. For these reasons, this variant has been classified as Pathogenic.

Literature cited by the submitters: PubMed 22683086; PubMed 24417746.